The following is an entry in ClinVar:

ClinVar aggregate classification (germline): Uncertain significance. Review status: criteria provided, multiple submitters, no conflicts (2 of 4 stars). 2 submissions from 2 submitters: Uncertain significance (2). Last evaluated 2025-07-23.

Conditions:
Hereditary cancer-predisposing syndrome. Also called: Neoplastic Syndromes, Hereditary; Tumor predisposition; Hereditary neoplastic syndrome; Hereditary Cancer Syndrome. Identifiers: Orphanet 140162, MedGen C0027672, MeSH D009386, MONDO:0015356.
Retinoblastoma (RB1). Also called: RETINOBLASTOMA, SOMATIC. Identifiers: Orphanet 790, MedGen C0035335, MeSH D012175, MONDO:0008380, OMIM 180200, HP:0009919. Disease mechanism: loss of function. Inheritance: Both sporadic and heritable forms are tested..

Allele frequency attached by ClinVar (database versions not stated): TOPMed below 0.00001.
gnomAD v4.1: 1 of 1,604,180 alleles (0.000062%); highest among the groups gnomAD compares: Non-Finnish European, 0.000085%; no homozygotes.

Submissions (2):

Ambry Genetics
Classification: Uncertain significance for Hereditary cancer-predisposing syndrome. Last evaluated: 2025-07-23. Review status: criteria provided, single submitter. Criteria: Ambry Variant Classification Scheme 2023. Collection method: clinical testing. Allele origin: germline.
Comment: The p.D346A variant (also known as c.1037A>C), located in coding exon 10 of the RB1 gene, results from an A to C substitution at nucleotide position 1037. The aspartic acid at codon 346 is replaced by alanine, an amino acid with dissimilar properties. This amino acid position is well conserved in available vertebrate species. In addition, the in silico prediction for this alteration is inconclusive. Since supporting evidence is limited at this time, the clinical significance of this alteration remains unclear.

Labcorp Genetics (formerly Invitae), Labcorp
Classification: Uncertain significance for Retinoblastoma. Last evaluated: 2018-09-03. Review status: criteria provided, single submitter. Criteria: Invitae Variant Classification Sherloc (09022015). Collection method: clinical testing. Allele origin: germline.
Comment: This sequence change replaces aspartic acid with alanine at codon 346 of the RB1 protein (p.Asp346Ala). The aspartic acid residue is highly conserved and there is a moderate physicochemical difference between aspartic acid and alanine. This variant is not present in population databases (ExAC no frequency). This variant has not been reported in the literature in individuals with RB1-related disease. Algorithms developed to predict the effect of missense changes on protein structure and function (SIFT, PolyPhen-2, Align-GVGD) all suggest that this variant is likely to be tolerated, but these predictions have not been confirmed by published functional studies and their clinical significance is uncertain. In summary, the available evidence is currently insufficient to determine the role of this variant in disease. Therefore, it has been classified as a Variant of Uncertain Significance.

NM_000321.3(RB1):c.1037A>C (p.Asp346Ala)

Gene: RB1 (RB transcriptional corepressor 1; plus strand). Cytogenetic location: 13q14.2.
Variant type: single nucleotide variant.
Coding change: c.1037A>C on transcript NM_000321.3 (MANE Select); coding-DNA position 1037, A replaced by C.
Protein change: p.Asp346Ala; replaces aspartic acid 346 with alanine.
Molecular consequence: missense variant.
Genome position (GRCh38, 1-based): chr13:48,367,591, A>C. VCF-style: chr13-48367591-A-C. GRCh37 (hg19) VCF-style: chr13-48941727-A-C.
Other names: short protein forms D346A.
Identifiers: ClinVar variation 643955 (VCV000643955.12), dbSNP rs1566194403, ClinGen allele CA388160924.